The following is an entry in ClinVar:

ClinVar aggregate classification (germline): Uncertain significance. Review status: criteria provided, multiple submitters, no conflicts (2 of 4 stars). 3 submissions from 3 submitters: Uncertain significance (3). Last evaluated 2026-09-21.

Conditions:
ACOX2-related disorder. Also called: ACOX2-related condition.

Allele frequency attached by ClinVar (database versions not stated): ExAC 0.00001; gnomAD exomes 0.00001; gnomAD 0.00002; TOPMed 0.00004; ESP Exome Variant Server 0.00008.
gnomAD v4.1: 20 of 1,614,054 alleles (0.0012%); highest among the groups gnomAD compares: African/African-American, 0.0053%; no homozygotes.

Submissions (3):

PreventionGenetics, part of Exact Sciences
Classification: Uncertain significance for ACOX2-related condition. Last evaluated: 2026-09-21. Review status: criteria provided, single submitter. Criteria: ACMG Guidelines, 2015. Collection method: clinical testing. Allele origin: germline.
Comment: The ACOX2 c.227G>A variant is predicted to result in the amino acid substitution p.Arg76His. To our knowledge, this variant has not been reported in the literature. This variant is reported in 0.0062% of alleles in individuals of African descent in gnomAD. At this time, the clinical significance of this variant is uncertain due to the absence of conclusive functional and genetic evidence.

Ambry Genetics
Classification: Uncertain significance. Last evaluated: 2025-08-04. Review status: criteria provided, single submitter. Criteria: Ambry Variant Classification Scheme 2023. Collection method: clinical testing. Allele origin: germline.

Labcorp Genetics (formerly Invitae), Labcorp
Classification: Uncertain significance. Last evaluated: 2023-10-11. Review status: criteria provided, single submitter. Criteria: Invitae Variant Classification Sherloc (09022015). Collection method: clinical testing. Allele origin: germline.
Comment: This sequence change replaces arginine, which is basic and polar, with histidine, which is basic and polar, at codon 76 of the ACOX2 protein (p.Arg76His). This variant is present in population databases (rs375089953, gnomAD 0.007%). This variant has not been reported in the literature in individuals affected with ACOX2-related conditions. Advanced modeling of protein sequence and biophysical properties (such as structural, functional, and spatial information, amino acid conservation, physicochemical variation, residue mobility, and thermodynamic stability) performed at Invitae indicates that this missense variant is not expected to disrupt ACOX2 protein function. In summary, the available evidence is currently insufficient to determine the role of this variant in disease. Therefore, it has been classified as a Variant of Uncertain Significance.

NM_003500.4(ACOX2):c.227G>A (p.Arg76His)

Gene: ACOX2 (acyl-CoA oxidase 2; minus strand). Cytogenetic location: 3p14.3.
Variant type: single nucleotide variant.
Coding change: c.227G>A on transcript NM_003500.4 (MANE Select); coding-DNA position 227, G replaced by A.
Protein change: p.Arg76His; replaces arginine 76 with histidine.
Molecular consequence: missense variant.
Genome position (GRCh38, 1-based): chr3:58,534,456, C>T on the plus strand (G>A on the coding strand, the complement: ACOX2 is on the minus strand). VCF-style: chr3-58534456-C-T. GRCh37 (hg19) VCF-style: chr3-58520183-C-T.
Other names: c.227G>A (NM_003500.3); short protein forms R76H.
Identifiers: ClinVar variation 2892997 (VCV002892997.5), dbSNP rs375089953, ClinGen allele CA2472486.